The following continues an entry in ClinVar:

NM_000153.4(GALC):c.1901T>C (p.Leu634Ser)

Gene: GALC. ClinVar aggregate classification (germline): Pathogenic/Likely pathogenic. Pathogenic (15); Likely pathogenic (7).

Submissions 15 to 23 of 23:

Myriad Genetics, Inc.
Classification: Likely pathogenic for Galactosylceramide beta-galactosidase deficiency. Last evaluated: 2022-08-25. Review status: criteria provided, single submitter. Criteria: Myriad Autosomal Dominant, Autosomal Recessive and X-Linked Classification Criteria (2023). Collection method: clinical testing. Allele origin: unknown.
Comment: NM_000153.3(GALC):c.1901T>C(L634S) is classified as pathogenic in the context of Krabbe disease and may be associated with a late-onset form of disease. Sources cited for classification include the following: PMID 29951496, 29966168, 30089515, 27638604, 26865610, 27126738, 24252386, 9272171, 26795590, 27780934 and 27679535. Classification of NM_000153.3(GALC):c.1901T>C(L634S) is based on the following criteria: This is a well-established pathogenic variant in the literature that has been observed more frequently in patients with clinical diagnoses than in healthy populations. Please note: this variant was assessed in the context of healthy population screening.

MGZ Medical Genetics Center
Classification: Likely pathogenic for Galactosylceramide beta-galactosidase deficiency. Last evaluated: 2022-01-11. Review status: criteria provided, single submitter. Criteria: ACMG Guidelines, 2015. Collection method: clinical testing. Allele origin: germline. Affected: yes. Observed: 2 variant alleles.
Comment: ACMG criteria applied: PS3, PS4_MOD, PM2_SUP, PP2, PP3

Genome-Nilou Lab
Classification: Likely pathogenic for Galactosylceramide beta-galactosidase deficiency. Last evaluated: 2021-07-22. Review status: criteria provided, single submitter. Criteria: ACMG Guidelines, 2015. Collection method: clinical testing. Allele origin: germline. Affected: no.

Illumina Laboratory Services, Illumina
Classification: Likely pathogenic for Galactosylceramide beta-galactosidase deficiency. Last evaluated: 2019-04-05. Review status: criteria provided, single submitter. Criteria: ICSL Variant Classification Criteria 09 May 2019. Collection method: clinical testing. Allele origin: germline.
Comment: Across a selection of the available literature, the GALC c.1901T>C (p.Leu634Ser) missense variant, also referred to as p.Leu618Ser, has been identified in 12 individuals affected with Krabbe disease, including in a homozygous state in one individual, in a compound heterozygous state in eight individuals, and in a heterozygous state in three individuals. All affected individuals were of Asian descent and have a variable age of onset of Krabbe disease ranging from late-infantile to adult (Furuya et al. 1997; Satoh et al. 1997; Xu et al. 2006; Hossain et al. 2014; Lim et al. 2016; Yoshimura et al. 2016). The p.Leu634Ser variant was also reported in seven asymptomatic newborns including in five in a homozygous state and in two in a compound heterozygous state (Orsini et al. 2016). In the five asymptomatic homozygous newborns, additional GALC variants were detected in cis with the p.Leu634Ser variant. GALC activity was used to assess risk of developing Krabbe disease, with one infant classified as high-risk, one as low-risk, and three as moderate-risk (Orsini et al. 2016). The p.Leu634Ser variant was absent from 65 controls (Furuya et al. 1997), but is reported at a frequency of 0.01923 in the Japanese population of the 1000 Genomes Project. Expression of the p.Leu634Ser variant in COS-1 cells resulted in an approximately 90% reduction in enzyme activity when compared to wild-type (Furuya et al. 1997; Satoh et al. 1997; Shin et al. 2016). Another study demonstrated lack of secretion of the p.Leu634Ser variant protein in transfected HEK293T cells, and also suggested that presence of the variant reduced trafficking of the GALC protein to lysosomes, although a second study showed localization in lysosomes (Spratley et al. 2016; Shin et al. 2016). Despite the high allele frequency, based on the collective clinical evidence, the p.Leu634Ser variant is classified as likely pathogenic for Krabbe disease. This variant was observed by ICSL as part of a predisposition screen in an ostensibly healthy population.

Women's Health and Genetics/Laboratory Corporation of America, LabCorp
Classification: Pathogenic for Galactosylceramide beta-galactosidase deficiency. Last evaluated: 2016-12-12. Review status: criteria provided, single submitter. Criteria: LabCorp Variant Classification Summary - May 2015. Collection method: clinical testing. Allele origin: germline.
Comment: Variant summary: The GALC c.1901T>C (p.Leu634Ser) variant, alternatively also known was L618S, involves the alteration of a highly conserved nucleotide and is located in Glyco_hydro_59 domain of the protein. 4/4 in silico tools predict a damaging outcome for this variant. This variant was found in 83/120532 control chromosomes, predominantly observed in the East Asian subpopulation at a frequency of 0.0090487 (78/8620). No homozygotes have been reported in general population. In literature, this variant is widely reported as a mild pathogenic variant that causes later-onset Krabbe disease (KD) and is found in several KD patients in homozygous, compound heterozygous and heterozygous states. The variants frequency is high in Japanese patients; a study has reported its allele frequency at 10.7% (11/102 alleles) in a Japanese patient cohort (Hossain_2013). Available functional assays (enzymatic as well as processing assay) further support the variant as a pathogenic variant with ~10% GALC activity in transfected cells. There is some conflicting functional data on the proper localization of the mutant with Shin_2016 and Lim_2016 reporting proper localization while Spratley_2016 reports improper localization. Taken together, this variant is classified as Pathogenic.

Soonchunhyang University Bucheon Hospital, Soonchunhyang University Medical Center
Classification: Likely pathogenic for Galactosylceramide beta-galactosidase deficiency. Last evaluated: 2016-03-18. Review status: criteria provided, single submitter. Criteria: ACMG Guidelines, 2015. Collection method: reference population. Allele origin: germline. Observed: 1 variant allele.

Baylor Genetics
Classification: Pathogenic for Galactosylceramide beta-galactosidase deficiency. Review status: criteria provided, single submitter. Criteria: ACMG Guidelines, 2015. Collection method: clinical testing. Allele origin: germline.

Juno Genomics, Hangzhou Juno Genomics, Inc
Classification: Pathogenic for Galactosylceramide beta-galactosidase deficiency. Review status: criteria provided, single submitter. Criteria: ACMG Guidelines, 2015. Collection method: clinical testing. Allele origin: germline.
Comment: For recessive disorders, detected in trans with a pathogenic variant.;Patient's phenotype or family history is highly specific for a disease with a single genetic etiology.;Well-established in vitro or in vivo functional studies supportive of a damaging effect on the gene or gene product.

GeneReviews
No classification provided. Condition: Galactosylceramide beta-galactosidase deficiency. Review status: no classification provided. Collection method: literature only. Allele origin: germline. Not counted in ClinVar's aggregate classification.
Comment: One copy of this allele together with another severe allele in the homozygous state is associated with late-onset disease.

Literature cited by the submitters: PubMed 9272171 (cited by 7 submitters); PubMed 16607461 (cited by 4 submitters); PubMed 24252386 (cited by 6 submitters); PubMed 26865610 (cited by 4 submitters); PubMed 27679535 (cited by 3 submitters); PubMed 27780934 (cited by 3 submitters); PubMed 27126738 (cited by 3 submitters); PubMed 27638593 (cited by Labcorp Genetics (formerly Invitae), Labcorp and Mayo Clinic Laboratories, Mayo Clinic); PubMed 28598007 (cited by Natera, Inc.); PubMed 26795590 (cited by 3 submitters); PubMed 29951496 (cited by Mayo Clinic Laboratories, Mayo Clinic and GeneReviews); PubMed 30089515 (cited by Mayo Clinic Laboratories, Mayo Clinic); PubMed 32064984 (cited by Mayo Clinic Laboratories, Mayo Clinic); PubMed 32677356 (cited by Mayo Clinic Laboratories, Mayo Clinic); PubMed 33178108 (cited by Mayo Clinic Laboratories, Mayo Clinic); PubMed 35654103 (cited by Mayo Clinic Laboratories, Mayo Clinic); PubMed 9371928 (cited by Illumina Laboratory Services, Illumina).